The following is an entry in ClinVar:

ClinVar aggregate classification (germline): Uncertain significance (1 of 4 stars; one submission).

Conditions:
Malignant hyperthermia, susceptibility to, 1 (MHS1). Also called: Anesthesia related hyperthermia; Malignant hyperpyrexia; Fulminating hyperpyrexia; Pharmacogenic myopathy; RYR1-Related Malignant Hyperthermia Susceptibility; Malignant hyperthermia suceptibility 1. Identifiers: Orphanet 423, MedGen C2930980, MONDO:0007783, OMIM 145600.

gnomAD v4.1: 6 of 1,562,790 alleles (0.00038%); highest among the groups gnomAD compares: Admixed American, 0.0019%; no homozygotes.

Submission:

All of Us Research Program, National Institutes of Health
Classification: Uncertain significance for Malignant hyperthermia, susceptibility to, 1. Last evaluated: 2024-02-22. Review status: criteria provided, single submitter. Criteria: ACMG Guidelines, 2015. Collection method: clinical testing. Allele origin: germline. Inheritance: Autosomal dominant inheritance. Observed: 1 variant allele, 1 heterozygote.
Comment: This missense variant replaces glycine with valine at codon 1340 of the RYR1 protein. Computational prediction suggests that this variant may not impact protein structure and function (internally defined REVEL score threshold <= 0.5, PMID: 27666373). To our knowledge, functional studies have not been reported for this variant. This variant has not been reported in individuals affected with RYR1-related disorders in the literature. This variant has been identified in 3/162344 chromosomes in the general population by the Genome Aggregation Database (gnomAD). The available evidence is insufficient to determine the role of this variant in disease conclusively. Therefore, this variant is classified as a Variant of Uncertain Significance.

This study involves interpretation of variants in research participants for the purpose of population health screening. Participant phenotype was not available at the time of variant classification. Additional details can be found in publication PMID: 35346344, PMCID: PMC8962531

NM_000540.3(RYR1):c.4019G>T (p.Gly1340Val)

Gene: RYR1 (ryanodine receptor 1; plus strand). Cytogenetic location: 19q13.2.
Variant type: single nucleotide variant.
Coding change: c.4019G>T on transcript NM_000540.3 (MANE Select); coding-DNA position 4019, G replaced by T.
Protein change: p.Gly1340Val; replaces glycine 1340 with valine.
Molecular consequence: missense variant.
Genome position (GRCh38, 1-based): chr19:38,473,630, G>T. VCF-style: chr19-38473630-G-T. GRCh37 (hg19) VCF-style: chr19-38964270-G-T.
Other names: c.4019G>T, p.Gly1340Val (NM_001042723.2); short protein forms G1340V.
Identifiers: ClinVar variation 3387698 (VCV003387698.1).